The following is an entry in ClinVar:

ClinVar aggregate classification (germline): Uncertain significance (1 of 4 stars; one submission).

Submission:

GeneDx
Classification: Uncertain significance. Last evaluated: 2024-01-05. Review status: criteria provided, single submitter. Criteria: GeneDx Variant Classification Process June 2021. Collection method: clinical testing. Allele origin: germline. Affected: yes.
Comment: Not observed at significant frequency in large population cohorts (gnomAD); In silico analysis supports that this missense variant does not alter protein structure/function; Has not been previously published as pathogenic or benign to our knowledge

NM_006494.4(ERF):c.862C>T (p.Pro288Ser)

Gene: ERF (ETS2 repressor factor; minus strand). Cytogenetic location: 19q13.2.
Variant type: single nucleotide variant.
Coding change: c.862C>T on transcript NM_006494.4 (MANE Select); coding-DNA position 862, C replaced by T.
Protein change: p.Pro288Ser; replaces proline 288 with serine.
Molecular consequence: missense variant.
Genome position (GRCh38, 1-based): chr19:42,249,250, G>A on the plus strand (C>T on the coding strand, the complement: ERF is on the minus strand). VCF-style: chr19-42249250-G-A. GRCh37 (hg19) VCF-style: chr19-42753402-G-A.
Other names: c.637C>T, p.Pro213Ser (NM_001301035.2, NM_001308402.2, NM_001312656.2); short protein forms P213S, P288S.
Identifiers: ClinVar variation 3365696 (VCV003365696.1).
Genomic context (GRCh38, chr19:42,249,250, plus strand): 5'-CAGGGCTGAAGGAGAAGTGGGAGCCTCCCCCTGAGCCGCTGGGCCCCCCGCCACCACTGG[G>A]GTACATCGGGCTCAGCGTGGGCGAGGGAGTGTAGGCCAGGTGGGTGGGCGTCATGGGCAG-3'
Protein context (NP_006485.2, residues 278-298): TPSPTLSPMY[Pro288Ser]SGGGGPSGSG